The following is an entry in ClinVar:

NM_017534.6(MYH2):c.1758T>A (p.Ala586=)

Genes: MYH2 (myosin heavy chain 2; minus strand), MYHAS (myosin heavy chain gene cluster antisense RNA; plus strand). Cytogenetic location: 17p13.1.
Variant type: single nucleotide variant.
Coding change: c.1758T>A on transcript NM_017534.6 (MANE Select); coding-DNA position 1758, T replaced by A.
Protein change: p.Ala586=; no amino-acid change (alanine 586 retained).
Molecular consequence: synonymous variant.
Genome position (GRCh38, 1-based): chr17:10,537,372, A>T on the plus strand (T>A on the coding strand, the complement: MYH2 is on the minus strand). VCF-style: chr17-10537372-A-T. GRCh37 (hg19) VCF-style: chr17-10440689-A-T.
Other names: c.1758T>A, p.Ala586= (NM_001100112.2).
Identifiers: ClinVar variation 1386718 (VCV001386718.6), dbSNP rs2073493923, ClinGen allele CA497977437.

ClinVar aggregate classification (germline): Uncertain significance (1 of 4 stars; one submission).

Conditions:
Myopathy, proximal, and ophthalmoplegia (CMYO6). Also called: INCLUSION BODY MYOPATHY 3, AUTOSOMAL DOMINANT; CONGENITAL MYOPATHY 6 WITH OPHTHALMOPLEGIA; MYOPATHY WITH CONGENITAL JOINT CONTRACTURES, OPHTHALMOPLEGIA, AND RIMMED VACUOLES. Identifiers: Orphanet 363677, Orphanet 79091, MedGen C1854106, MONDO:0011577, OMIM 605637.

Submission:

Labcorp Genetics (formerly Invitae), Labcorp
Classification: Uncertain significance for Myopathy, proximal, and ophthalmoplegia. Last evaluated: 2021-10-17. Review status: criteria provided, single submitter. Criteria: Invitae Variant Classification Sherloc (09022015). Collection method: clinical testing. Allele origin: germline.
Comment: This sequence change affects codon 586 of the MYH2 mRNA. It is a 'silent' change, meaning that it does not change the encoded amino acid sequence of the MYH2 protein. This variant is not present in population databases (ExAC no frequency). This variant has not been reported in the literature in individuals affected with MYH2-related conditions. Algorithms developed to predict the effect of sequence changes on RNA splicing suggest that this variant may create or strengthen a splice site. In summary, the available evidence is currently insufficient to determine the role of this variant in disease. Therefore, it has been classified as a Variant of Uncertain Significance.